The following is an entry in ClinVar:

ClinVar aggregate classification (germline): Uncertain significance. Review status: criteria provided, multiple submitters, no conflicts (2 of 4 stars). 4 submissions from 4 submitters: Uncertain significance (4). Last evaluated 2025-10-02.

Conditions:
Inborn genetic diseases. Identifiers: MedGen C0950123, MeSH D030342.
Leber congenital amaurosis 13 (LCA13). Identifiers: MedGen C2675186, MONDO:0012990, OMIM 612712.

Allele frequency attached by ClinVar (database versions not stated): gnomAD 0.00001; gnomAD exomes 0.00001 and 0.00002; ExAC 0.00002.
gnomAD v4.1: 20 of 1,607,836 alleles (0.0012%); highest among the groups gnomAD compares: Non-Finnish European, 0.0017%; no homozygotes.

Submissions (4):

Ambry Genetics
Classification: Uncertain significance for Inborn genetic diseases. Last evaluated: 2025-10-02. Review status: criteria provided, single submitter. Criteria: Ambry Variant Classification Scheme 2023. Collection method: clinical testing. Allele origin: germline.

Blueprint Genetics
Classification: Uncertain significance. Last evaluated: 2023-08-22. Review status: criteria provided, single submitter. Criteria: ACMG Guidelines, 2015. Collection method: clinical testing. Allele origin: germline.

Labcorp Genetics (formerly Invitae), Labcorp
Classification: Uncertain significance for Leber congenital amaurosis 13. Last evaluated: 2022-11-01. Review status: criteria provided, single submitter. Criteria: Invitae Variant Classification Sherloc (09022015). Collection method: clinical testing. Allele origin: germline.
Comment: This sequence change replaces cysteine, which is neutral and slightly polar, with tyrosine, which is neutral and polar, at codon 31 of the RDH12 protein (p.Cys31Tyr). This variant is present in population databases (rs746979841, gnomAD 0.003%). This variant has not been reported in the literature in individuals affected with RDH12-related conditions. ClinVar contains an entry for this variant (Variation ID: 1209662). Algorithms developed to predict the effect of missense changes on protein structure and function are either unavailable or do not agree on the potential impact of this missense change (SIFT: "Tolerated"; PolyPhen-2: "Probably Damaging"; Align-GVGD: "Class C0"). In summary, the available evidence is currently insufficient to determine the role of this variant in disease. Therefore, it has been classified as a Variant of Uncertain Significance.

Genome-Nilou Lab
Classification: Uncertain significance for Leber congenital amaurosis 13. Last evaluated: 2021-07-22. Review status: criteria provided, single submitter. Criteria: ACMG Guidelines, 2015. Collection method: clinical testing. Allele origin: germline. Affected: no.

NM_152443.3(RDH12):c.92G>A (p.Cys31Tyr)

Genes: GPHN (gephyrin; plus strand), RDH12 (retinol dehydrogenase 12; plus strand). Cytogenetic location: 14q24.1.
Variant type: single nucleotide variant.
Coding change: c.92G>A on transcript NM_152443.3 (MANE Select); coding-DNA position 92, G replaced by A.
Protein change: p.Cys31Tyr; replaces cysteine 31 with tyrosine.
Molecular consequence: missense variant.
Genome position (GRCh38, 1-based): chr14:67,724,496, G>A. VCF-style: chr14-67724496-G-A. GRCh37 (hg19) VCF-style: chr14-68191213-G-A.
Other names: short protein forms C31Y.
Identifiers: ClinVar variation 1209662 (VCV001209662.7), dbSNP rs746979841, ClinGen allele CA7238600.